The following is an entry in ClinVar:

ClinVar aggregate classification (germline): Uncertain significance (1 of 4 stars; one submission).

Submission:

Women's Health and Genetics/Laboratory Corporation of America, LabCorp
Classification: Uncertain significance. Last evaluated: 2025-03-14. Review status: criteria provided, single submitter. Criteria: LabCorp Variant Classification Summary - May 2015. Collection method: clinical testing. Allele origin: germline.
Comment: Variant summary: ATP6V1B2 c.573C>G (p.Ile191Met) results in a conservative amino acid change in the encoded protein sequence. Four of five in-silico tools predict a damaging effect of the variant on protein function. The variant was absent in 250460 control chromosomes. The available data on variant occurrences in the general population are insufficient to allow any conclusion about variant significance. To our knowledge, no occurrence of c.573C>G in individuals affected with ATP6V1B2-Related Disorders and no experimental evidence demonstrating its impact on protein function have been reported. No submitters have cited clinical-significance assessments for this variant to ClinVar. Based on the evidence outlined above, the variant was classified as uncertain significance.

NM_001693.4(ATP6V1B2):c.573C>G (p.Ile191Met)

Gene: ATP6V1B2 (ATPase H+ transporting V1 subunit B2; plus strand). Cytogenetic location: 8p21.3.
Variant type: single nucleotide variant.
Coding change: c.573C>G on transcript NM_001693.4 (MANE Select); coding-DNA position 573, C replaced by G.
Protein change: p.Ile191Met; replaces isoleucine 191 with methionine.
Molecular consequence: missense variant.
Genome position (GRCh38, 1-based): chr8:20,211,286, C>G. VCF-style: chr8-20211286-C-G. GRCh37 (hg19) VCF-style: chr8-20068797-C-G.
Other names: short protein forms I191M.
Identifiers: ClinVar variation 3895651 (VCV003895651.1).